The following is an entry in ClinVar:

ClinVar aggregate classification (germline): Uncertain significance (1 of 4 stars; one submission).

Allele frequency attached by ClinVar (database versions not stated): gnomAD 0.00001; gnomAD exomes 0.00002; TOPMed 0.00002.
gnomAD v4.1: 27 of 1,495,842 alleles (0.0018%); highest among the groups gnomAD compares: Non-Finnish European, 0.0024%; no homozygotes.

Submission:

Labcorp Genetics (formerly Invitae), Labcorp
Classification: Uncertain significance. Last evaluated: 2022-06-28. Review status: criteria provided, single submitter. Criteria: Invitae Variant Classification Sherloc (09022015). Collection method: clinical testing. Allele origin: germline.
Comment: In summary, the available evidence is currently insufficient to determine the role of this variant in disease. Therefore, it has been classified as a Variant of Uncertain Significance. Experimental studies and prediction algorithms are not available or were not evaluated, and the functional significance of this variant is currently unknown. This variant has not been reported in the literature in individuals affected with SHANK1-related conditions. The frequency data for this variant in the population databases is considered unreliable, as metrics indicate poor data quality at this position in the gnomAD database. This sequence change replaces arginine, which is basic and polar, with histidine, which is basic and polar, at codon 1251 of the SHANK1 protein (p.Arg1251His).

NM_016148.5(SHANK1):c.3752G>A (p.Arg1251His)

Gene: SHANK1 (SH3 and multiple ankyrin repeat domains 1; minus strand). Cytogenetic location: 19q13.33.
Variant type: single nucleotide variant.
Coding change: c.3752G>A on transcript NM_016148.5 (MANE Select); coding-DNA position 3752, G replaced by A.
Protein change: p.Arg1251His; replaces arginine 1251 with histidine.
Molecular consequence: missense variant.
Genome position (GRCh38, 1-based): chr19:50,668,208, C>T on the plus strand (G>A on the coding strand, the complement: SHANK1 is on the minus strand). VCF-style: chr19-50668208-C-T. GRCh37 (hg19) VCF-style: chr19-51171465-C-T.
Other names: short protein forms R1251H.
Identifiers: ClinVar variation 2164947 (VCV002164947.4), dbSNP rs1381872461, ClinGen allele CA407015878.